The following is an entry in ClinVar:

ClinVar aggregate classification (germline): Uncertain significance (1 of 4 stars; one submission).

Allele frequency attached by ClinVar (database versions not stated): gnomAD exomes below 0.00001.
gnomAD v4.1: 1 of 1,613,774 alleles (0.000062%); highest among the groups gnomAD compares: Non-Finnish European, 0.000085%; no homozygotes.

Submission:

Labcorp Genetics (formerly Invitae), Labcorp
Classification: Uncertain significance. Last evaluated: 2025-03-31. Review status: criteria provided, single submitter. Criteria: Invitae Variant Classification Sherloc (09022015). Collection method: clinical testing. Allele origin: germline.
Comment: This sequence change replaces lysine, which is basic and polar, with arginine, which is basic and polar, at codon 1195 of the ASPM protein (p.Lys1195Arg). This variant is not present in population databases (gnomAD no frequency). This variant has not been reported in the literature in individuals affected with ASPM-related conditions. ClinVar contains an entry for this variant (Variation ID: 2012864). Invitae Evidence Modeling of protein sequence and biophysical properties (such as structural, functional, and spatial information, amino acid conservation, physicochemical variation, residue mobility, and thermodynamic stability) indicates that this missense variant is not expected to disrupt ASPM protein function with a negative predictive value of 80%. In summary, the available evidence is currently insufficient to determine the role of this variant in disease. Therefore, it has been classified as a Variant of Uncertain Significance.

NM_018136.5(ASPM):c.3584A>G (p.Lys1195Arg)

Gene: ASPM (assembly factor for spindle microtubules; minus strand). Cytogenetic location: 1q31.3.
Variant type: single nucleotide variant.
Coding change: c.3584A>G on transcript NM_018136.5 (MANE Select); coding-DNA position 3584, A replaced by G.
Protein change: p.Lys1195Arg; replaces lysine 1195 with arginine.
Molecular consequence: missense variant.
Genome position (GRCh38, 1-based): chr1:197,122,402, T>C on the plus strand (A>G on the coding strand, the complement: ASPM is on the minus strand). VCF-style: chr1-197122402-T-C. GRCh37 (hg19) VCF-style: chr1-197091532-T-C.
Other names: c.3584A>G, p.Lys1195Arg (NM_001206846.2); short protein forms K1195R.
Identifiers: ClinVar variation 2012864 (VCV002012864.4), dbSNP rs2527347003, ClinGen allele CA344040112.